The following is an entry in ClinVar:

NM_024675.4(PALB2):c.79G>T (p.Glu27Ter)

Gene: PALB2 (partner and localizer of BRCA2; minus strand). Cytogenetic location: 16p12.2.
Variant type: single nucleotide variant.
Coding change: c.79G>T on transcript NM_024675.4 (MANE Select); coding-DNA position 79, G replaced by T.
Protein change: p.Glu27Ter; replaces glutamic acid 27 with a stop codon.
Molecular consequence: nonsense.
Genome position (GRCh38, 1-based): chr16:23,638,099, C>A on the plus strand (G>T on the coding strand, the complement: PALB2 is on the minus strand). VCF-style: chr16-23638099-C-A. GRCh37 (hg19) VCF-style: chr16-23649420-C-A.
Other names: short protein forms E27*.
Identifiers: ClinVar variation 241570 (VCV000241570.41), dbSNP rs878855122, ClinGen allele CA10583387.

ClinVar aggregate classification (germline): Pathogenic/Likely pathogenic. Review status: criteria provided, multiple submitters, no conflicts (2 of 4 stars). 18 submissions from 18 submitters: Pathogenic (16); Likely pathogenic (1). 1 of the submissions does not count toward it. Last evaluated 2026-06-05.

Conditions:
autosomal dominant PALB2-related cancer predisposition.
PALB2-related disorder. Also called: PALB2-related condition; PALB2-related disorders.
Lung cancer. Also called: Lung cancer, somatic; Malignant tumor of lung. Identifiers: MedGen C0242379, MONDO:0008903, OMIM 211980.
Familial cancer of breast. Also called: BREAST CANCER, FAMILIAL; Hereditary breast cancer; hereditary breast carcinoma. Identifiers: Orphanet 227535, MedGen C0346153, MONDO:0016419, OMIM 114480. Disease mechanism: loss of function.
Pancreatic cancer, susceptibility to, 3. Identifiers: Orphanet 1333, MedGen C3150547, MONDO:0013236, OMIM 613348.
Fanconi anemia complementation group N. Also called: PALB2-Related Fanconi Anemia. Identifiers: Orphanet 84, MedGen C1835817, MONDO:0012565, OMIM 610832. Disease mechanism: loss of function.
Hereditary cancer-predisposing syndrome. Also called: Neoplastic Syndromes, Hereditary; Hereditary neoplastic syndrome; Hereditary Cancer Syndrome; Tumor predisposition. Identifiers: Orphanet 140162, MedGen C0027672, MeSH D009386, MONDO:0015356.
Malignant tumor of breast. Also called: Malignant breast neoplasm; Cancer breast. Identifiers: MedGen C0006142, MONDO:0007254. Disease mechanism: loss of function.

Allele frequency attached by ClinVar (database versions not stated): gnomAD exomes below 0.00001 and 0.00001; gnomAD 0.00002; TOPMed 0.00002.
gnomAD v4.1: 5 of 1,613,894 alleles (0.00031%); highest among the groups gnomAD compares: African/African-American, 0.0053%; no homozygotes.

Submissions 1 to 13 of 18:

PreventionGenetics, part of Exact Sciences
Classification: Pathogenic for PALB2-related condition. Last evaluated: 2026-06-05. Review status: criteria provided, single submitter. Criteria: ACMG Guidelines, 2015. Collection method: clinical testing. Allele origin: germline.
Comment: The PALB2 c.79G>T variant is predicted to result in premature protein termination (p.Glu27*). This variant has been reported in multiple individuals with personal and/or family history of breast cancer, pheochromocytomas and paragangliomas, and other cancer types (see for examples, Foley et al. 2015. PubMed ID: 26023681; Table S2A, Huang et al. 2018. PubMed ID: 29625052; Table S2, Tsaousis et al. 2019. PubMed ID: 31159747; Goidescu et al. 2018. PubMed ID: 29785153). This variant is reported in 0.012% of alleles in individuals of African descent in gnomAD and it is consistently interpreted as pathogenic/likely pathogenic in ClinVar (Variation ID: 241570). Nonsense variants in PALB2 are expected to be pathogenic. This variant is interpreted as pathogenic.

Labcorp Genetics (formerly Invitae), Labcorp
Classification: Pathogenic for Familial cancer of breast. Last evaluated: 2026-01-26. Review status: criteria provided, single submitter. Criteria: Invitae Variant Classification Sherloc (09022015). Collection method: clinical testing. Allele origin: germline.
Comment: This sequence change creates a premature translational stop signal (p.Glu27*) in the PALB2 gene. It is expected to result in an absent or disrupted protein product. Loss-of-function variants in PALB2 are known to be pathogenic (PMID: 17200668, 17200671, 17200672, 24136930, 25099575). This variant is present in population databases (no rsID available, gnomAD 0.01%). This premature translational stop signal has been observed in individual(s) with vulvar and breast cancer (PMID: 26023681). ClinVar contains an entry for this variant (Variation ID: 241570). RNA analysis performed to evaluate the impact of this premature translational stop signal on mRNA splicing indicates it does not significantly alter splicing (internal data). For these reasons, this variant has been classified as Pathogenic.

Ambry Genetics
Classification: Pathogenic for Hereditary cancer-predisposing syndrome. Last evaluated: 2025-07-08. Review status: criteria provided, single submitter. Criteria: Ambry Variant Classification Scheme 2023. Collection method: clinical testing. Allele origin: germline.
Comment: The c.79G>T (p.E27*) alteration, located in exon 2 (coding exon 2) of the PALB2 gene, consists of a G to T substitution at nucleotide position 79. This changes the amino acid from a glutamic acid (E) to a stop codon at amino acid position 27. This alteration is expected to result in loss of function by premature protein truncation or nonsense-mediated mRNA decay. Based on data from gnomAD, the T allele has an overall frequency of 0.001% (2/251476) total alleles studied. The highest observed frequency was 0.012% (2/16254) of African alleles. This variant has also been reported in a Romanian cohort of individuals diagnosed with breast cancer (Goidescu, 2018). Based on the available evidence, this alteration is classified as pathogenic.

Variantyx, Inc.
Classification: Pathogenic for autosomal dominant PALB2-related cancer predisposition. Last evaluated: 2025-04-24. Review status: criteria provided, single submitter. Criteria: Variantyx Assertion Criteria 2022. Collection method: clinical testing. Allele origin: germline. Inheritance: Autosomal dominant inheritance. Affected: yes.
Comment: This is a nonsense variant in the PALB2 gene (OMIM: 610355). Pathogenic variants in this gene have been associated with autosomal dominant PALB2-related cancer predisposition. This variant introduces a premature termination codon in exon 2 out of 13 and is expected to result in loss of function, which is a known disease mechanism for PALB2 in this disorder (PMID: 17200668, 17200671, 17200672, 24136930, 25099575) (PVS1). The premature termination codon introduced by this variant is upstream of the most C-terminal known pathogenic variant (p.Tyr1183*) in this gene (ClinVar:VCV000241570.35) (PM5_Supporting). This variant has a 0.0068% maximum allele frequency in non-founder control populations (PM2). Based on the current evidence, this variant is classified as pathogenic for autosomal dominant PALB2-related cancer predisposition.

Quest Diagnostics Nichols Institute San Juan Capistrano
Classification: Pathogenic. Last evaluated: 2024-07-01. Review status: criteria provided, single submitter. Criteria: Quest Diagnostics criteria. Collection method: clinical testing. Allele origin: unknown.
Comment: The PALB2 c.79G>T (p.Glu27*) variant causes the premature termination of PALB2 protein synthesis. This variant has been reported in the published literature in individuals with breast cancer (PMIDs: 26023681 (2015), 29785153 (2018), 31619740 (2020)), vulvar cancer (PMID: 26023681 (2015)), paraganglioma (PMID: 29625052 (2018)), and large-cell neuroendocrine lung adenocarcinoma (PMID: 36207130 (2022)). The frequency of this variant in the general population, 0.0000079 (2/251746 chromosomes (Genome Aggregation Database)), is consistent with pathogenicity. Based on the available information, this variant is classified as pathogenic.

Blueprint Genetics
Classification: Pathogenic for PALB2-related disorders. Last evaluated: 2024-03-18. Review status: criteria provided, single submitter. Criteria: ACMG Guidelines, 2015. Collection method: clinical testing. Allele origin: germline. Affected: yes. Observed: 2 variant alleles.

GeneDx
Classification: Pathogenic. Last evaluated: 2024-01-03. Review status: criteria provided, single submitter. Criteria: GeneDx Variant Classification Process June 2021. Collection method: clinical testing. Allele origin: germline. Affected: yes.
Comment: Nonsense variant predicted to result in protein truncation or nonsense mediated decay in a gene for which loss-of-function is a known mechanism of disease; Not observed at significant frequency in large population cohorts (gnomAD); This variant is associated with the following publications: (PMID: 26023681, 31159747, 29785153, 29625052, 33084842, 29922827)

Myriad Genetics, Inc.
Classification: Pathogenic for Familial cancer of breast. Last evaluated: 2023-09-05. Review status: criteria provided, single submitter. Criteria: Myriad Autosomal Dominant, Autosomal Recessive and X-Linked Classification Criteria (2023). Collection method: clinical testing. Allele origin: unknown.
Comment: This variant is considered pathogenic. This variant creates a termination codon and is predicted to result in premature protein truncation.

Revvity Omics, Revvity
Classification: Pathogenic. Last evaluated: 2023-07-12. Review status: criteria provided, single submitter. Criteria: ACMG Guidelines, 2015. Collection method: clinical testing. Allele origin: germline.

Baylor Genetics
Classification: Pathogenic for Familial cancer of breast. Last evaluated: 2023-05-31. Review status: criteria provided, single submitter. Criteria: ACMG Guidelines, 2015. Collection method: clinical testing. Allele origin: unknown.

Fulgent Genetics
Classification: Pathogenic for Familial cancer of breast; Fanconi anemia complementation group N; Pancreatic cancer, susceptibility to, 3. Last evaluated: 2022-03-08. Review status: criteria provided, single submitter. Criteria: ACMG Guidelines, 2015. Collection method: clinical testing. Allele origin: unknown.

Sema4
Classification: Pathogenic for Hereditary cancer-predisposing syndrome. Last evaluated: 2021-03-25. Review status: criteria provided, single submitter. Criteria: Sema4 Curation Guidelines. Collection method: curation. Allele origin: germline.
Comment: The PALB2 c.79G>T (p.E27X) has been reported in heterozygosity in at least 4 individuals with breast cancer, vulvar cancer, and paraganglioma (PMID: 26023681, 29625052, 31159747, 29785153) and 1 individual from a prospective cohort of >25,000 predominantly healthy individuals (PMID 31447099). This nonsense variant creates a premature stop codon at residue 27 of the PALB2 protein. This variant was observed in 2/16254 in the African/African American population in the large and broad cohorts of the Genome Aggregation Database. This alteration is expected to result in loss of function by premature protein truncation or nonsense-mediated mRNA decay, supporting a deleterious effect. This variant has been reported in ClinVar (Variation ID: 241570). Based on the current evidence, this variant is interpreted as pathogenic.

Institute of Medical Genetics and Applied Genomics, University Hospital Tübingen
Classification: Pathogenic. Last evaluated: 2020-10-23. Review status: criteria provided, single submitter. Criteria: ACMG Guidelines, 2015. Collection method: clinical testing. Allele origin: germline. Inheritance: Unknown mechanism. Affected: yes.